The following is an entry in ClinVar:

NM_001845.6(COL4A1):c.3877-39T>C

Gene: COL4A1 (collagen type IV alpha 1 chain; minus strand). Cytogenetic location: 13q34.
Variant type: single nucleotide variant.
Coding change: c.3877-39T>C on transcript NM_001845.6 (MANE Select); 39 bases into the intron before coding-DNA position 3877, T replaced by C.
Molecular consequence: intron variant.
Genome position (GRCh38, 1-based): chr13:110,167,269, A>G on the plus strand (T>C on the coding strand, the complement: COL4A1 is on the minus strand). VCF-style: chr13-110167269-A-G. GRCh37 (hg19) VCF-style: chr13-110819616-A-G.
Identifiers: ClinVar variation 3046293 (VCV003046293.2), dbSNP rs371820354, ClinGen allele CA7047114.

ClinVar aggregate classification (germline): Likely benign (0 of 4 stars; one submission).

Conditions:
COL4A1-related disorder. Also called: COL4A1-related disorders; COL4A1-related condition. Identifiers: MedGen CN376119, MONDO:0800461.

Allele frequency attached by ClinVar (database versions not stated): 1000 Genomes Project 30x 0.00016; 1000 Genomes Project 0.00020; gnomAD 0.00031; TOPMed 0.00032; gnomAD exomes 0.00041; ExAC 0.00046; ESP Exome Variant Server 0.00054.
gnomAD v4.1: 596 of 1,502,178 alleles (0.04%); highest among the groups gnomAD compares: Middle Eastern, 0.24%; 1 homozygote.

Submission:

PreventionGenetics, part of Exact Sciences
Classification: Likely benign for COL4A1-related condition. Last evaluated: 2021-03-11. Review status: no assertion criteria provided. Collection method: clinical testing. Allele origin: germline.
Comment: This variant is classified as likely benign based on ACMG/AMP sequence variant interpretation guidelines (Richards et al. 2015 PMID: 25741868, with internal and published modifications).